The following is an entry in ClinVar:

ClinVar aggregate classification (germline): Likely benign (1 of 4 stars; one submission).

Submission:

CeGaT Center for Human Genetics Tuebingen
Classification: Likely benign. Last evaluated: 2023-10-01. Review status: criteria provided, single submitter. Criteria: CeGaT Center For Human Genetics Tuebingen Variant Classification Criteria Version 2. Collection method: clinical testing. Allele origin: germline. Affected: yes. Observed: 1 variant allele.
Comment: ZNF429: BP4, BP7

NM_001001415.4(ZNF429):c.1978A>C (p.Arg660=)

Gene: ZNF429 (zinc finger protein 429; plus strand). Cytogenetic location: 19p12.
Variant type: single nucleotide variant.
Coding change: c.1978A>C on transcript NM_001001415.4 (MANE Select); coding-DNA position 1978, A replaced by C.
Protein change: p.Arg660=; no amino-acid change (arginine 660 retained).
Molecular consequence: synonymous variant.
Genome position (GRCh38, 1-based): chr19:21,538,031, A>C. VCF-style: chr19-21538031-A-C. GRCh37 (hg19) VCF-style: chr19-21720833-A-C.
Other names: c.1972A>C, p.Arg658= (NM_001346912.2); c.1882A>C, p.Arg628= (NM_001346913.2, NM_001346914.2, NM_001346915.2); c.1786A>C, p.Arg596= (NM_001346916.2).
Identifiers: ClinVar variation 2649623 (VCV002649623.24), dbSNP rs1369761560, ClinGen allele CA506611091.